The following is an entry in ClinVar:

NM_057176.3(BSND):c.-117T>C

Gene: BSND (barttin CLCNK type accessory subunit beta; plus strand). Cytogenetic location: 1p32.3.
Variant type: single nucleotide variant.
Coding change: c.-117T>C on transcript NM_057176.3 (MANE Select); 117 bases upstream of the start codon, T replaced by C.
Molecular consequence: 5 prime UTR variant.
Genome position (GRCh38, 1-based): chr1:54,999,070, T>C. VCF-style: chr1-54999070-T-C. GRCh37 (hg19) VCF-style: chr1-55464743-T-C.
Identifiers: ClinVar variation 297673 (VCV000297673.11), dbSNP rs2500340, ClinGen allele CA10610155.

ClinVar aggregate classification (germline): Benign. Review status: criteria provided, multiple submitters, no conflicts (2 of 4 stars). 4 submissions from 4 submitters: Benign (4). Last evaluated 2021-07-10.

Conditions:
Bartter disease type 4A. Also called: BARTTER SYNDROME, NEONATAL, WITH SENSORINEURAL DEAFNESS; BARTTER SYNDROME, TYPE 4A, NEONATAL, WITH SENSORINEURAL DEAFNESS. Identifiers: Orphanet 112, MedGen C1865270, MONDO:0011242, OMIM 602522.

Allele frequency attached by ClinVar (database versions not stated): 1000 Genomes Project 0.59405; 1000 Genomes Project 30x 0.60087; TOPMed 0.65943; gnomAD 0.66208; gnomAD exomes 0.74503.
gnomAD v4.1: 949,640 of 1,292,140 alleles (73%); highest among the groups gnomAD compares: Non-Finnish European, 78%; 355,179 homozygotes.

Submissions (4):

Genome-Nilou Lab
Classification: Benign for Bartter disease type 4A. Last evaluated: 2021-07-10. Review status: criteria provided, single submitter. Criteria: ACMG Guidelines, 2015. Collection method: clinical testing. Allele origin: germline. Affected: no.

GeneDx
Classification: Benign. Last evaluated: 2018-06-22. Review status: criteria provided, single submitter. Criteria: GeneDx Variant Classification Process June 2021. Collection method: clinical testing. Allele origin: germline. Affected: yes.

Illumina Laboratory Services, Illumina
Classification: Benign for Bartter disease type 4A. Last evaluated: 2018-01-13. Review status: criteria provided, single submitter. Criteria: ICSL Variant Classification Criteria 13 December 2019. Collection method: clinical testing. Allele origin: germline.
Comment: This variant was observed in the ICSL laboratory as part of a predisposition screen in an ostensibly healthy population. It had not been previously curated by ICSL or reported in the Human Gene Mutation Database (HGMD: prior to June 1st, 2018), and was therefore a candidate for classification through an automated scoring system. Utilizing variant allele frequency, disease prevalence and penetrance estimates, and inheritance mode, an automated score was calculated to assess if this variant is too frequent to cause the disease. Based on the score and internal cut-off values, a variant classified as benign is not then subjected to further curation. The score for this variant resulted in a classification of benign for this disease.

Breakthrough Genomics
Classification: Benign. Review status: criteria provided, single submitter. Criteria: ACMG Guidelines, 2015. Collection method: not provided. Allele origin: germline. Inheritance: Autosomal recessive inheritance. Affected: yes.